The following is an entry in ClinVar:

ClinVar aggregate classification (germline): Uncertain significance (1 of 4 stars; one submission).

Allele frequency attached by ClinVar (database versions not stated): gnomAD exomes 0.00001; gnomAD 0.00002; TOPMed 0.00003.
gnomAD v4.1: 6 of 1,614,136 alleles (0.00037%); highest among the groups gnomAD compares: African/African-American, 0.008%; no homozygotes.

Submission:

Labcorp Genetics (formerly Invitae), Labcorp
Classification: Uncertain significance. Last evaluated: 2023-08-17. Review status: criteria provided, single submitter. Criteria: Invitae Variant Classification Sherloc (09022015). Collection method: clinical testing. Allele origin: germline.
Comment: This sequence change replaces arginine, which is basic and polar, with serine, which is neutral and polar, at codon 294 of the MOCS3 protein (p.Arg294Ser). In summary, the available evidence is currently insufficient to determine the role of this variant in disease. Therefore, it has been classified as a Variant of Uncertain Significance. An algorithm developed to predict the effect of missense changes on protein structure and function (PolyPhen-2) suggests that this variant is likely to be tolerated. This variant has not been reported in the literature in individuals affected with MOCS3-related conditions. This variant is present in population databases (no rsID available, gnomAD 0.02%).

NM_014484.5(MOCS3):c.882G>T (p.Arg294Ser)

Gene: MOCS3 (molybdenum cofactor synthesis 3; plus strand). Cytogenetic location: 20q13.13.
Variant type: single nucleotide variant.
Coding change: c.882G>T on transcript NM_014484.5 (MANE Select); coding-DNA position 882, G replaced by T.
Protein change: p.Arg294Ser; replaces arginine 294 with serine.
Molecular consequence: missense variant.
Genome position (GRCh38, 1-based): chr20:50,959,724, G>T. VCF-style: chr20-50959724-G-T. GRCh37 (hg19) VCF-style: chr20-49576261-G-T.
Other names: short protein forms R294S.
Identifiers: ClinVar variation 3018101 (VCV003018101.3), dbSNP rs1309266495, ClinGen allele CA408984896.